The following is an entry in ClinVar:

NM_013275.6(ANKRD11):c.4051A>G (p.Arg1351Gly)

Gene: ANKRD11 (ankyrin repeat domain 11; minus strand). Cytogenetic location: 16q24.3.
Variant type: single nucleotide variant.
Coding change: c.4051A>G on transcript NM_013275.6 (MANE Select); coding-DNA position 4051, A replaced by G.
Protein change: p.Arg1351Gly; replaces arginine 1351 with glycine.
Molecular consequence: missense variant.
Genome position (GRCh38, 1-based): chr16:89,282,491, T>C on the plus strand (A>G on the coding strand, the complement: ANKRD11 is on the minus strand). VCF-style: chr16-89282491-T-C. GRCh37 (hg19) VCF-style: chr16-89348899-T-C.
Other names: c.4051A>G (NM_013275.5); c.4051A>G, p.Arg1351Gly (NM_001256182.2, NM_001256183.2); short protein forms R1351G.
Identifiers: ClinVar variation 1737375 (VCV001737375.3), dbSNP rs770242199, ClinGen allele CA397158424.

ClinVar aggregate classification (germline): Uncertain significance. Review status: criteria provided, multiple submitters, no conflicts (2 of 4 stars). 2 submissions from 2 submitters: Uncertain significance (2). Last evaluated 2026-02-05.

Conditions:
Inborn genetic diseases. Identifiers: MedGen C0950123, MeSH D030342.

gnomAD v4.1: 1 of 1,614,088 alleles (0.000062%); highest among the groups gnomAD compares: Non-Finnish European, 0.000085%; no homozygotes.

Submissions (2):

GeneDx
Classification: Uncertain significance. Last evaluated: 2026-02-05. Review status: criteria provided, single submitter. Criteria: GeneDx Variant Classification Process June 2021. Collection method: clinical testing. Allele origin: germline.
Comment: Not observed at significant frequency in large population cohorts (gnomAD); In silico analysis suggests that this missense variant does not alter protein structure/function; Has not been previously published as pathogenic or benign to our knowledge

Ambry Genetics
Classification: Uncertain significance for Inborn genetic diseases. Last evaluated: 2019-05-10. Review status: criteria provided, single submitter. Criteria: Ambry Variant Classification Scheme 2023. Collection method: clinical testing. Allele origin: germline.
Comment: The p.R1351G variant (also known as c.4051A>G), located in coding exon 7 of the ANKRD11 gene, results from an A to G substitution at nucleotide position 4051. The arginine at codon 1351 is replaced by glycine, an amino acid with dissimilar properties. This amino acid position is highly conserved in available vertebrate species. In addition, this alteration is predicted to be tolerated by in silico analysis. Since supporting evidence is limited at this time, the clinical significance of this alteration remains unclear.